The following is an entry in ClinVar:

NM_001128148.3(TFRC):c.122C>G (p.Ala41Gly)

Gene: TFRC (transferrin receptor; minus strand). Cytogenetic location: 3q29.
Variant type: single nucleotide variant.
Coding change: c.122C>G on transcript NM_001128148.3 (MANE Select); coding-DNA position 122, C replaced by G.
Protein change: p.Ala41Gly; replaces alanine 41 with glycine.
Molecular consequence: missense variant. On other transcripts: intron variant (2).
Genome position (GRCh38, 1-based): chr3:196,075,275, G>C on the plus strand (C>G on the coding strand, the complement: TFRC is on the minus strand). VCF-style: chr3-196075275-G-C. GRCh37 (hg19) VCF-style: chr3-195802146-G-C.
Other names: c.122C>G, p.Ala41Gly (NM_003234.4); c.-413+1789C>G (NM_001313966.2); c.-5-1150C>G (NM_001313965.2); short protein forms A41G.
Identifiers: ClinVar variation 1470242 (VCV001470242.4), dbSNP rs1481317754, ClinGen allele CA355579394.

ClinVar aggregate classification (germline): Uncertain significance (1 of 4 stars; one submission).

Allele frequency attached by ClinVar (database versions not stated): gnomAD 0.00001; TOPMed 0.00001; gnomAD exomes 0.00001.

Submission:

Labcorp Genetics (formerly Invitae), Labcorp
Classification: Uncertain significance. Last evaluated: 2025-07-07. Review status: criteria provided, single submitter. Criteria: Invitae Variant Classification Sherloc (09022015). Collection method: clinical testing. Allele origin: germline.
Comment: This sequence change replaces alanine, which is neutral and non-polar, with glycine, which is neutral and non-polar, at codon 41 of the TFRC protein (p.Ala41Gly). This variant is present in population databases (no rsID available, gnomAD 0.007%). This variant has not been reported in the literature in individuals affected with TFRC-related conditions. ClinVar contains an entry for this variant (Variation ID: 1470242). An algorithm developed to predict the effect of missense changes on protein structure and function outputs the following: PolyPhen-2: "Possibly Damaging". The glycine amino acid residue is found in multiple mammalian species, which suggests that this missense change does not adversely affect protein function. In summary, the available evidence is currently insufficient to determine the role of this variant in disease. Therefore, it has been classified as a Variant of Uncertain Significance.